The following is an entry in ClinVar:

ClinVar aggregate classification (germline): Uncertain significance (1 of 4 stars; one submission).

Allele frequency attached by ClinVar (database versions not stated): gnomAD exomes 0.00001; TOPMed 0.00001; ExAC 0.00002.
gnomAD v4.1: 9 of 1,613,928 alleles (0.00056%); highest among the groups gnomAD compares: Admixed American, 0.0083%; no homozygotes.

Submission:

Labcorp Genetics (formerly Invitae), Labcorp
Classification: Uncertain significance. Last evaluated: 2022-08-22. Review status: criteria provided, single submitter. Criteria: Invitae Variant Classification Sherloc (09022015). Collection method: clinical testing. Allele origin: germline.
Comment: This sequence change replaces proline, which is neutral and non-polar, with serine, which is neutral and polar, at codon 2687 of the PCLO protein (p.Pro2687Ser). This variant is present in population databases (rs771484832, gnomAD 0.01%). This variant has not been reported in the literature in individuals affected with PCLO-related conditions. Algorithms developed to predict the effect of missense changes on protein structure and function output the following: SIFT: "Tolerated"; PolyPhen-2: "Not Available"; Align-GVGD: "Class C0". The serine amino acid residue is found in multiple mammalian species, which suggests that this missense change does not adversely affect protein function. In summary, the available evidence is currently insufficient to determine the role of this variant in disease. Therefore, it has been classified as a Variant of Uncertain Significance.

NM_033026.6(PCLO):c.8059C>T (p.Pro2687Ser)

Gene: PCLO (piccolo presynaptic cytomatrix protein; minus strand). Cytogenetic location: 7q21.11.
Variant type: single nucleotide variant.
Coding change: c.8059C>T on transcript NM_033026.6 (MANE Select); coding-DNA position 8059, C replaced by T.
Protein change: p.Pro2687Ser; replaces proline 2687 with serine.
Molecular consequence: missense variant.
Genome position (GRCh38, 1-based): chr7:82,952,894, G>A on the plus strand (C>T on the coding strand, the complement: PCLO is on the minus strand). VCF-style: chr7-82952894-G-A. GRCh37 (hg19) VCF-style: chr7-82582210-G-A.
Other names: c.8059C>T, p.Pro2687Ser (NM_014510.3); short protein forms P2687S.
Identifiers: ClinVar variation 1917024 (VCV001917024.2), dbSNP rs771484832, ClinGen allele CA4320191.